The following is an entry in ClinVar:

NM_001242957.3(MAK):c.1712A>G (p.Tyr571Cys)

Gene: MAK (male germ cell associated kinase; minus strand). Cytogenetic location: 6p24.2.
Variant type: single nucleotide variant.
Coding change: c.1712A>G on transcript NM_001242957.3 (MANE Select); coding-DNA position 1712, A replaced by G.
Protein change: p.Tyr571Cys; replaces tyrosine 571 with cysteine.
Molecular consequence: missense variant. On other transcripts: non-coding transcript variant (2), intron variant (2).
Genome position (GRCh38, 1-based): chr6:10,770,191, T>C on the plus strand (A>G on the coding strand, the complement: MAK is on the minus strand). VCF-style: chr6-10770191-T-C. GRCh37 (hg19) VCF-style: chr6-10770424-T-C.
Other names: c.1637A>G, p.Tyr546Cys (NM_005906.6); c.1495+5137A>G (NM_001377262.1); c.1597+5137A>G (NM_001242385.2); c.1637A>G (NM_005906.4); short protein forms Y571C, Y546C.
Identifiers: ClinVar variation 1498423 (VCV001498423.5), dbSNP rs1436110982, ClinGen allele CA362714562.
Genomic context (GRCh38, chr6:10,770,191, plus strand): 5'-GGTGCTAAGTGGATCCTCTGGCCAGCTGACTGCACTTCTTTTTTGAGAAAGGAAGGAATA[T>C]ATCCTGACTGATTGTAAGTAGCATAACTTCCAAGATTTCCTAGTGACATATCATAAAGTT-3'
Protein context (NP_001229886.1, residues 561-581): GSYATYNQSG[Tyr571Cys]IPSFLKKEVQ

ClinVar aggregate classification (germline): Uncertain significance. Review status: criteria provided, multiple submitters, no conflicts (2 of 4 stars). 2 submissions from 2 submitters: Uncertain significance (2). Last evaluated 2023-03-24.

Conditions:
Inborn genetic diseases. Identifiers: MedGen C0950123, MeSH D030342.

Allele frequency attached by ClinVar (database versions not stated): gnomAD 0.00001; TOPMed 0.00001; gnomAD exomes 0.00002.
gnomAD v4.1: 36 of 1,614,022 alleles (0.0022%); highest among the groups gnomAD compares: Non-Finnish European, 0.0027%; no homozygotes.

Submissions (2):

Ambry Genetics
Classification: Uncertain significance for Inborn genetic diseases. Last evaluated: 2023-03-24. Review status: criteria provided, single submitter. Criteria: Ambry Variant Classification Scheme 2023. Collection method: clinical testing. Allele origin: germline.

Labcorp Genetics (formerly Invitae), Labcorp
Classification: Uncertain significance. Last evaluated: 2022-06-27. Review status: criteria provided, single submitter. Criteria: Invitae Variant Classification Sherloc (09022015). Collection method: clinical testing. Allele origin: germline.
Comment: This sequence change replaces tyrosine with cysteine at codon 571 of the MAK protein (p.Tyr571Cys). The tyrosine residue is highly conserved and there is a large physicochemical difference between tyrosine and cysteine. This variant is present in population databases (no rsID available, gnomAD 0.01%). This variant has not been reported in the literature in individuals affected with MAK-related conditions. Advanced modeling of protein sequence and biophysical properties (such as structural, functional, and spatial information, amino acid conservation, physicochemical variation, residue mobility, and thermodynamic stability) performed at Invitae indicates that this missense variant is not expected to disrupt MAK protein function. In summary, the available evidence is currently insufficient to determine the role of this variant in disease. Therefore, it has been classified as a Variant of Uncertain Significance.